The following is an entry in ClinVar:

NM_014915.3(ANKRD26):c.*1175C>T

Gene: ANKRD26 (ankyrin repeat domain 26; minus strand). Cytogenetic location: 10p12.1.
Variant type: single nucleotide variant.
Coding change: c.*1175C>T on transcript NM_014915.3 (MANE Select); 1175 bases downstream of the stop codon, C replaced by T.
Molecular consequence: 3 prime UTR variant.
Genome position (GRCh38, 1-based): chr10:27,004,415, G>A on the plus strand (C>T on the coding strand, the complement: ANKRD26 is on the minus strand). VCF-style: chr10-27004415-G-A. GRCh37 (hg19) VCF-style: chr10-27293344-G-A.
Other names: c.*1175C>T (NM_001256053.2).
Identifiers: ClinVar variation 299712 (VCV000299712.6), dbSNP rs10829158, ClinGen allele CA10631540.

ClinVar aggregate classification (germline): Benign. Review status: criteria provided, multiple submitters, no conflicts (2 of 4 stars). 2 submissions from 2 submitters: Benign (2). Last evaluated 2018-01-12.

Conditions:
Thrombocytopenia 2 (THC2). Also called: ANKRD26-Related Thrombocytopenia. Identifiers: Orphanet 268322, MedGen C1861185, MONDO:0008555, OMIM 188000.

Allele frequency attached by ClinVar (database versions not stated): gnomAD 0.10152 and 0.10617; TOPMed 0.10257; 1000 Genomes Project 30x 0.17005; 1000 Genomes Project 0.17352.

Submissions (2):

Illumina Laboratory Services, Illumina
Classification: Benign for Thrombocytopenia 2. Last evaluated: 2018-01-12. Review status: criteria provided, single submitter. Criteria: ICSL Variant Classification Criteria 13 December 2019. Collection method: clinical testing. Allele origin: germline.
Comment: This variant was observed in the ICSL laboratory as part of a predisposition screen in an ostensibly healthy population. It had not been previously curated by ICSL or reported in the Human Gene Mutation Database (HGMD: prior to June 1st, 2018), and was therefore a candidate for classification through an automated scoring system. Utilizing variant allele frequency, disease prevalence and penetrance estimates, and inheritance mode, an automated score was calculated to assess if this variant is too frequent to cause the disease. Based on the score and internal cut-off values, a variant classified as benign is not then subjected to further curation. The score for this variant resulted in a classification of benign for this disease.

Breakthrough Genomics
Classification: Benign. Review status: criteria provided, single submitter. Criteria: ACMG Guidelines, 2015. Collection method: not provided. Allele origin: germline. Inheritance: Autosomal dominant inheritance. Affected: yes.